The following is an entry in ClinVar:

ClinVar aggregate classification (germline): Uncertain significance (1 of 4 stars; one submission).

Conditions:
Cardiovascular phenotype. Identifiers: MedGen CN230736.

Submission:

Ambry Genetics
Classification: Uncertain significance for Cardiovascular phenotype. Last evaluated: 2025-02-15. Review status: criteria provided, single submitter. Criteria: Ambry Variant Classification Scheme 2023. Collection method: clinical testing. Allele origin: germline.
Comment: The p.G255V variant (also known as c.764G>T), located in coding exon 1 of the CHST14 gene, results from a G to T substitution at nucleotide position 764. The glycine at codon 255 is replaced by valine, an amino acid with dissimilar properties. This amino acid position is conserved. In addition, the in silico prediction for this alteration is inconclusive. Based on the available evidence, the clinical significance of this variant remains unclear.

NM_130468.4(CHST14):c.764G>T (p.Gly255Val)

Gene: CHST14 (carbohydrate sulfotransferase 14; plus strand). Cytogenetic location: 15q15.1.
Variant type: single nucleotide variant.
Coding change: c.764G>T on transcript NM_130468.4 (MANE Select); coding-DNA position 764, G replaced by T.
Protein change: p.Gly255Val; replaces glycine 255 with valine.
Molecular consequence: missense variant.
Genome position (GRCh38, 1-based): chr15:40,471,977, G>T. VCF-style: chr15-40471977-G-T. GRCh37 (hg19) VCF-style: chr15-40764176-G-T.
Other names: short protein forms G255V.
Identifiers: ClinVar variation 3833254 (VCV003833254.1).